The following is an entry in ClinVar:

NM_001458.5(FLNC):c.6173A>G (p.Gln2058Arg)

Genes: FLNC (filamin C; plus strand), FLNC-AS1 (FLNC antisense RNA 1; minus strand). Cytogenetic location: 7q32.1.
Variant type: single nucleotide variant.
Coding change: c.6173A>G on transcript NM_001458.5 (MANE Select); coding-DNA position 6173, A replaced by G.
Protein change: p.Gln2058Arg; replaces glutamine 2058 with arginine.
Molecular consequence: missense variant.
Genome position (GRCh38, 1-based): chr7:128,852,996, A>G. VCF-style: chr7-128852996-A-G. GRCh37 (hg19) VCF-style: chr7-128493050-A-G.
Other names: c.6074A>G, p.Gln2025Arg (NM_001127487.2); short protein forms Q2058R, Q2025R.
Identifiers: ClinVar variation 2061136 (VCV002061136.6), dbSNP rs981816775, ClinGen allele CA166190283.

ClinVar aggregate classification (germline): Uncertain significance. Review status: criteria provided, multiple submitters, no conflicts (2 of 4 stars). 3 submissions from 3 submitters: Uncertain significance (3). Last evaluated 2025-02-26.

Conditions:
Myofibrillar myopathy 5. Also called: Filaminopathy (type); FILAMINOPATHY, AUTOSOMAL DOMINANT. Identifiers: Orphanet 171445, MedGen C1836050, MONDO:0012289, OMIM 609524.
Distal myopathy with posterior leg and anterior hand involvement. Also called: WILLIAMS DISTAL MYOPATHY. Identifiers: Orphanet 63273, MedGen C3279722, MONDO:0013550, OMIM 614065.
Hypertrophic cardiomyopathy 26. Also called: Cardiomyopathy, familial hypertrophic, 26. Identifiers: Orphanet 75249, MedGen C4310749, MONDO:0014883, OMIM 617047.
Cardiovascular phenotype. Identifiers: MedGen CN230736.

Allele frequency attached by ClinVar (database versions not stated): gnomAD 0.00001; TOPMed 0.00001.
gnomAD v4.1: 35 of 1,613,302 alleles (0.0022%); highest among the groups gnomAD compares: Non-Finnish European, 0.003%; no homozygotes.

Submissions (3):

Labcorp Genetics (formerly Invitae), Labcorp
Classification: Uncertain significance for Distal myopathy with posterior leg and anterior hand involvement; Myofibrillar myopathy 5; Hypertrophic cardiomyopathy 26. Last evaluated: 2025-02-26. Review status: criteria provided, single submitter. Criteria: Invitae Variant Classification Sherloc (09022015). Collection method: clinical testing. Allele origin: germline.
Comment: This sequence change replaces glutamine, which is neutral and polar, with arginine, which is basic and polar, at codon 2058 of the FLNC protein (p.Gln2058Arg). This variant is not present in population databases (gnomAD no frequency). This missense change has been observed in individual(s) with arrhythmogenic cardiomyopathy (PMID: 31627847). ClinVar contains an entry for this variant (Variation ID: 2061136). Invitae Evidence Modeling of protein sequence and biophysical properties (such as structural, functional, and spatial information, amino acid conservation, physicochemical variation, residue mobility, and thermodynamic stability) has been performed for this missense variant. However, the output from this modeling did not meet the statistical confidence thresholds required to predict the impact of this variant on FLNC protein function. In summary, the available evidence is currently insufficient to determine the role of this variant in disease. Therefore, it has been classified as a Variant of Uncertain Significance.

Ambry Genetics
Classification: Uncertain significance for Cardiovascular phenotype. Last evaluated: 2024-07-26. Review status: criteria provided, single submitter. Criteria: Ambry Variant Classification Scheme 2023. Collection method: clinical testing. Allele origin: germline.
Comment: The p.Q2058R variant (also known as c.6173A>G), located in coding exon 37 of the FLNC gene, results from an A to G substitution at nucleotide position 6173. The glutamine at codon 2058 is replaced by arginine, an amino acid with highly similar properties. This alteration has been reported in a cardiomyopathy cohort (Hall CL et al. Int J Cardiol, 2020 May;307:101-108). This amino acid position is not well conserved in available vertebrate species. In addition, the in silico prediction for this alteration is inconclusive. Based on the available evidence, the clinical significance of this variant remains unclear.

Blueprint Genetics
Classification: Uncertain significance. Last evaluated: 2023-01-04. Review status: criteria provided, single submitter. Criteria: ACMG Guidelines, 2015. Collection method: clinical testing. Allele origin: germline.

Literature cited by the submitters: PubMed 31627847 (cited by Labcorp Genetics (formerly Invitae), Labcorp and Ambry Genetics).